The following is an entry in ClinVar:

NM_004260.4(RECQL4):c.2059-1G>C

Gene: RECQL4 (RecQ like helicase 4; minus strand). Cytogenetic location: 8q24.3.
Variant type: single nucleotide variant.
Coding change: c.2059-1G>C on transcript NM_004260.4 (MANE Select); the canonical splice acceptor site of the intron before coding-DNA position 2059, G replaced by C.
Molecular consequence: splice acceptor variant.
Genome position (GRCh38, 1-based): chr8:144,513,713, C>G on the plus strand (G>C on the coding strand, the complement: RECQL4 is on the minus strand). VCF-style: chr8-144513713-C-G. GRCh37 (hg19) VCF-style: chr8-145739097-C-G.
Other names: IVS12AS, G-C, -1; c.1930-1G>C (NM_001413025.1); c.1708-1G>C (NM_001413029.1); c.922-1G>C (NM_001413032.1, NM_001413027.1, NM_001413030.1 and 1 more transcripts); c.988-1G>C (NM_001413035.1, NM_001413040.1, NM_001413021.1 and 6 more transcripts); c.1963-1G>C (NM_001413017.1, NM_001413020.1); c.2029-1G>C (NM_001413039.1); c.1927-1G>C (NM_001413033.1); and 5 more.
Identifiers: ClinVar variation 6069 (VCV000006069.7), dbSNP rs386833849, ClinGen allele CA253755.

ClinVar aggregate classification (germline): Pathogenic. Review status: criteria provided, single submitter (1 of 4 stars). 3 submissions from 3 submitters: Pathogenic (1). 2 of the submissions do not count toward it. Last evaluated 2022-10-31.

Conditions:
Rothmund-Thomson syndrome type 2 (RTS2). Identifiers: Orphanet 221016, MedGen C5203410, MONDO:0016369, OMIM 268400.
Baller-Gerold syndrome (BGS). Also called: CRANIOSYNOSTOSIS WITH RADIAL DEFECTS. Identifiers: Orphanet 1225, MedGen C0265308, MONDO:0009039, OMIM 218600.

Submissions (3):

Labcorp Genetics (formerly Invitae), Labcorp
Classification: Pathogenic for Baller-Gerold syndrome. Last evaluated: 2022-10-31. Review status: criteria provided, single submitter. Criteria: Invitae Variant Classification Sherloc (09022015). Collection method: clinical testing. Allele origin: germline.
Comment: Algorithms developed to predict the effect of sequence changes on RNA splicing suggest that this variant may disrupt the consensus splice site. For these reasons, this variant has been classified as Pathogenic. ClinVar contains an entry for this variant (Variation ID: 6069). Disruption of this splice site has been observed in individuals with RECQL4-related conditions (PMID: 12838562, 24635570, 25966250). This variant is not present in population databases (gnomAD no frequency). This sequence change affects an acceptor splice site in intron 12 of the RECQL4 gene. It is expected to disrupt RNA splicing. Variants that disrupt the donor or acceptor splice site typically lead to a loss of protein function (PMID: 16199547), and loss-of-function variants in RECQL4 are known to be pathogenic (PMID: 12734318, 12952869).

OMIM
Classification: Pathogenic for ROTHMUND-THOMSON SYNDROME, TYPE 2. Last evaluated: 2003-07-30. Review status: no assertion criteria provided. Collection method: literature only. Allele origin: germline. Not counted in ClinVar's aggregate classification.

GeneReviews
No classification provided. Condition: Baller-Gerold syndrome. Review status: no classification provided. Collection method: literature only. Allele origin: germline. Not counted in ClinVar's aggregate classification.

Literature cited by the submitters: PubMed 12838562 (cited by Labcorp Genetics (formerly Invitae), Labcorp and OMIM); PubMed 24635570 (cited by Labcorp Genetics (formerly Invitae), Labcorp); PubMed 25966250 (cited by Labcorp Genetics (formerly Invitae), Labcorp); PubMed 16199547 (cited by Labcorp Genetics (formerly Invitae), Labcorp); PubMed 12734318 (cited by Labcorp Genetics (formerly Invitae), Labcorp); PubMed 12952869 (cited by Labcorp Genetics (formerly Invitae), Labcorp); NCBI Bookshelf NBK1204 (cited by GeneReviews).